The following is an entry in ClinVar:

NM_000282.4(PCCA):c.1408C>G (p.Leu470Val)

Gene: PCCA (propionyl-CoA carboxylase subunit alpha; plus strand). Cytogenetic location: 13q32.3.
Variant type: single nucleotide variant.
Coding change: c.1408C>G on transcript NM_000282.4 (MANE Select); coding-DNA position 1408, C replaced by G.
Protein change: p.Leu470Val; replaces leucine 470 with valine.
Molecular consequence: missense variant. On other transcripts: non-coding transcript variant (5).
Genome position (GRCh38, 1-based): chr13:100,309,887, C>G. VCF-style: chr13-100309887-C-G. GRCh37 (hg19) VCF-style: chr13-100962141-C-G.
Other names: c.1330C>G, p.Leu444Val (NM_001127692.3, NM_001352607.2); c.1408C>G, p.Leu470Val (NM_001178004.2, NM_001352605.2, NM_001352609.2); c.1264C>G, p.Leu422Val (NM_001352606.2); c.1186C>G, p.Leu396Val (NM_001352608.2); c.463C>G, p.Leu155Val (NM_001352610.2, NM_001352611.2); c.319C>G, p.Leu107Val (NM_001352612.2); short protein forms L155V, L470V, L107V, L396V, L422V, L444V.
Identifiers: ClinVar variation 1991548 (VCV001991548.4), dbSNP rs1566911871, ClinGen allele CA388695857.

ClinVar aggregate classification (germline): Likely pathogenic (1 of 4 stars; one submission).

Conditions:
Propionic acidemia (PROP). Also called: GLYCINEMIA, KETOTIC; HYPERGLYCINEMIA WITH KETOACIDOSIS AND LEUKOPENIA; KETOTIC HYPERGLYCINEMIA. Identifiers: Orphanet 35, MedGen C0268579, MONDO:0011628, OMIM 606054, HP:0003571.

Allele frequency attached by ClinVar (database versions not stated): TOPMed 0.00001.
gnomAD v4.1: 2 of 1,612,296 alleles (0.00012%); highest among the groups gnomAD compares: Admixed American, 0.0017%; no homozygotes.

Submission:

Labcorp Genetics (formerly Invitae), Labcorp
Classification: Likely pathogenic for Propionic acidemia. Last evaluated: 2025-09-01. Review status: criteria provided, single submitter. Criteria: Invitae Variant Classification Sherloc (09022015). Collection method: clinical testing. Allele origin: germline.
Comment: This sequence change replaces leucine, which is neutral and non-polar, with valine, which is neutral and non-polar, at codon 470 of the PCCA protein (p.Leu470Val). This variant is not present in population databases (gnomAD no frequency). This variant has not been reported in the literature in individuals affected with PCCA-related conditions. ClinVar contains an entry for this variant (Variation ID: 1991548). Invitae Evidence Modeling of protein sequence and biophysical properties (such as structural, functional, and spatial information, amino acid conservation, physicochemical variation, residue mobility, and thermodynamic stability) has been performed for this missense variant. However, the output from this modeling did not meet the statistical confidence thresholds required to predict the impact of this variant on PCCA protein function. This variant disrupts the p.Leu470 amino acid residue in PCCA. Other variant(s) that disrupt this residue have been determined to be pathogenic (PMID: 30274917). This suggests that this residue is clinically significant, and that variants that disrupt this residue are likely to be disease-causing. In summary, the currently available evidence indicates that the variant is pathogenic, but additional data are needed to prove that conclusively. Therefore, this variant has been classified as Likely Pathogenic.

Literature cited by the submitters: PubMed 30274917.